The following is an entry in ClinVar:

ClinVar aggregate classification (germline): Conflicting classifications of pathogenicity. Review status: criteria provided, conflicting classifications (1 of 4 stars). 13 submissions from 13 submitters: Uncertain significance (3); Benign (1); Likely benign (6). 3 of the submissions do not count toward it. Last evaluated 2026-09-01.

Conditions:
COL4A4-related disorder.
Alport syndrome. Also called: Congenital hereditary hematuria; Hemorrhagic familial nephritis; Hemorrhagic hereditary nephritis. Identifiers: Orphanet 63, MedGen C1567741, MONDO:0018965.

Allele frequency attached by ClinVar (database versions not stated): 1000 Genomes Project 0.00120; 1000 Genomes Project 30x 0.00125; TOPMed 0.00219; ESP Exome Variant Server 0.00247.
gnomAD v4.1: 5,525 of 1,613,882 alleles (0.34%); highest among the groups gnomAD compares: Non-Finnish European, 0.42%; 17 homozygotes.

Submissions (13):

CeGaT Center for Human Genetics Tuebingen
Classification: Likely benign. Last evaluated: 2026-09-01. Review status: criteria provided, single submitter. Criteria: CeGaT Center For Human Genetics Tuebingen Variant Classification Criteria Version 2. Collection method: clinical testing. Allele origin: germline. Affected: yes. Observed: 5 variant alleles.
Comment: COL4A4: BS2

Labcorp Genetics (formerly Invitae), Labcorp
Classification: Likely benign. Last evaluated: 2026-01-28. Review status: criteria provided, single submitter. Criteria: Invitae Variant Classification Sherloc (09022015). Collection method: clinical testing. Allele origin: germline.

Mayo Clinic Laboratories, Mayo Clinic
Classification: Uncertain significance. Last evaluated: 2025-10-14. Review status: criteria provided, single submitter. Criteria: ACMG Guidelines, 2015. Collection method: clinical testing. Allele origin: germline. Observed: 3 variant alleles.
Comment: BS1

Women's Health and Genetics/Laboratory Corporation of America, LabCorp
Classification: Likely benign. Last evaluated: 2025-07-18. Review status: criteria provided, single submitter. Criteria: LabCorp Variant Classification Summary - May 2015. Collection method: clinical testing. Allele origin: germline.
Comment: Variant summary: COL4A4 c.4760C>G (p.Pro1587Arg) results in a non-conservative amino acid change in the encoded protein sequence. Algorithms developed to predict the effect of missense changes on protein structure and function are either unavailable or do not agree on the potential impact of this missense change. The variant allele was found at a frequency of 0.002 in 248148 control chromosomes in the gnomAD database, including 2 homozygotes. The observed variant frequency is approximately 1.8-fold of the estimated maximal expected allele frequency for a pathogenic variant in COL4A4 causing Alport Syndrome, Autosomal Recessive phenotype (0.0011), suggesting the variant is benign. c.4760C>G has been observed in heterozygous individuals affected with Alport Syndrome, end stage renal disease, persistent glomerular microscopic hematuria, or related phenotype. In many cases, patients carried additional variants, including heterozygous COL4A3 and COL4A5 variants, many classified as likely pathogenic/pathogenic in ClinVar, providing additional evidence supporting a benign role of the variant (e.g. Chatterjee_2013, Mastrangelo_2022, Miao_2021, Solanki_2023, Sen_2017, Yavas_2024, Zhang_2019). These report(s) do not provide unequivocal conclusions about association of the variant with Alport Syndrome, Autosomal Recessive. To our knowledge, no experimental evidence demonstrating an impact on protein function has been reported. ClinVar contains an entry for this variant (Variation ID: 447189). Based on the evidence outlined above, the variant was classified as likely benign.

Blueprint Genetics
Classification: Likely benign. Last evaluated: 2024-11-18. Review status: criteria provided, single submitter. Criteria: ACMG Guidelines, 2015. Collection method: clinical testing. Allele origin: germline.

Mendelics
Classification: Uncertain significance for Alport syndrome. Last evaluated: 2022-12-12. Review status: criteria provided, single submitter. Criteria: Mendelics Assertion Criteria 2017. Collection method: clinical testing. Allele origin: unknown.

GeneDx
Classification: Benign. Last evaluated: 2019-09-05. Review status: criteria provided, single submitter. Criteria: GeneDx Variant Classification Process June 2021. Collection method: clinical testing. Allele origin: germline. Affected: yes.
Comment: This variant is associated with the following publications: (PMID: 28780565, 25575550, 24130771, 29924831, 30467950)

Athena Diagnostics
Classification: Likely benign. Last evaluated: 2019-04-24. Review status: criteria provided, single submitter. Criteria: Athena Diagnostics criteria. Collection method: clinical testing. Allele origin: unknown.

Laboratory for Molecular Medicine, Mass General Brigham Personalized Medicine
Classification: Likely benign. Last evaluated: 2018-06-04. Review status: criteria provided, single submitter. Criteria: LMM Criteria. Collection method: clinical testing. Allele origin: germline. Observed: 1 variant allele.
Comment: p.Pro1587Arg in exon 47 of COL4A4: This variant is classified as likely benign, because although it has been reported in 3 individuals with features of Alport s yndrome (Chatterjee 2013, Mencarelli 2015, Sen 2017), it is present in 0.34% (43 0/126088) of European chromosomes by the Genome Aggregation Database (gnomAD; dbSNP rs190148408). This allele frequency is too high to cause Alport syndrome or hearing loss due to the COL4A4 gene. ACMG/AMP criteria applied: BS1.

Illumina Laboratory Services, Illumina
Classification: Uncertain significance for Alport syndrome. Last evaluated: 2017-04-27. Review status: criteria provided, single submitter. Criteria: ICSL Variant Classification Criteria 13 December 2019. Collection method: clinical testing. Allele origin: germline.
Comment: This variant was observed as part of a predisposition screen in an ostensibly healthy population. A literature search was performed for the gene, cDNA change, and amino acid change (where applicable). Publications were found based on this search. However, the evidence from the literature, in combination with allele frequency data from public databases where available, was not sufficient to rule this variant in or out of causing disease. Therefore, this variant is classified as a variant of unknown significance.

Natera, Inc.
Classification: Likely benign for Alport syndrome. Last evaluated: 2020-04-03. Review status: no assertion criteria provided. Collection method: clinical testing. Allele origin: germline. Not counted in ClinVar's aggregate classification.

PreventionGenetics, part of Exact Sciences
Classification: Likely benign for COL4A4-related condition. Last evaluated: 2020-03-25. Review status: no assertion criteria provided. Collection method: clinical testing. Allele origin: germline. Not counted in ClinVar's aggregate classification.
Comment: This variant is classified as likely benign based on ACMG/AMP sequence variant interpretation guidelines (Richards et al. 2015 PMID: 25741868, with internal and published modifications).

Department of Pathology and Laboratory Medicine, Sinai Health System
Classification: Uncertain significance. Review status: no assertion criteria provided. Collection method: clinical testing. Allele origin: unknown. Affected: yes. Study: The Canadian Open Genetics Repository (COGR). Not counted in ClinVar's aggregate classification.
Comment: The COL4A4 p.Pro1587Arg variant was identified in the literature however the frequency of this variant in an affected population was not provided. The variant was found in 1/11 families with Alport syndrome in the proband and two brothers all affected with haematuria and proteinuria as well as the father who was affected with end-stage renal disease (Mencarelli_2015_PMID: 25575550). This family also carried another variant in COL4A4 (c.1623+5G>T) and a variant in COL4A5 (p.Gly684Val), which the authors suggested may have led to a triallelic form of digenic inheritance of the renal phenotype observed in this family (Mencarelli_2015_PMID: 25575550). The probandâ€šÃ„Ã´s brother and sister had end stage renal disease related to presumed hereditary nephritis, however they were not tested for the variant (Chatterjee_2013_PMID: 24130771). The variant was also identified in dbSNP (ID: rs190148408), ClinVar (classified as a VUS by Athena Diagnostics), Cosmic (FATHMM prediction of neutral; score=0.42) and LOVD 3.0 (reported as likely pathogenic in 3 patients with Alport Syndrome, and as VUS in 6 patients with Alport Syndrome). The variant was identified in control databases in 575 of 279544 chromosomes (2 homozygous) at a frequency of 0.002057 increasing the likelihood this could be a low frequency benign variant (Genome Aggregation Database Feb 27, 2017). The variant was observed in the following populations: European (non-Finnish) in 438 of 127990 chromosomes (freq: 0.003422), Other in 16 of 7120 chromosomes (freq: 0.002247), South Asian in 57 of 30568 chromosomes (freq: 0.001865), Ashkenazi Jewish in 19 of 10348 chromosomes (freq: 0.001836), African in 14 of 24012 chromosomes (freq: 0.000583), Latino in 19 of 35320 chromosomes (freq: 0.000538) and European (Finnish) in 12 of 24740 chromosomes (freq: 0.000485); it was not observed in the East Asian populations. The p.Pro1587 residue is not conserved in mammals and computational analyses (PolyPhen-2, SIFT, AlignGVGD, BLOSUM, MutationTaster) provide inconsistent predictions regarding the impact to the protein; this information is not very predictive of pathogenicity. The variant occurs outside of the splicing consensus sequence and 2 of 4 in silico or computational prediction software programs (SpliceSiteFinder, MaxEntScan, NNSPLICE, GeneSplicer) predict a greater than 10% difference in splicing; this is not very predictive of pathogenicity. In summary, based on the above information the clinical significance of this variant cannot be determined with certainty at this time. This variant is classified as a variant of uncertain significance.

Literature cited by the submitters: PubMed 24130771 (cited by 4 submitters); PubMed 25575550 (cited by Mayo Clinic Laboratories, Mayo Clinic and Laboratory for Molecular Medicine, Mass General Brigham Personalized Medicine); PubMed 28780565 (cited by 3 submitters); PubMed 30883042 (cited by Mayo Clinic Laboratories, Mayo Clinic and Women's Health and Genetics/Laboratory Corporation of America, LabCorp); PubMed 35090027 (cited by Mayo Clinic Laboratories, Mayo Clinic and Women's Health and Genetics/Laboratory Corporation of America, LabCorp); PubMed 34120753 (cited by Women's Health and Genetics/Laboratory Corporation of America, LabCorp); PubMed 37849993 (cited by Women's Health and Genetics/Laboratory Corporation of America, LabCorp); PubMed 38357258 (cited by Women's Health and Genetics/Laboratory Corporation of America, LabCorp).

NM_000092.5(COL4A4):c.4760C>G (p.Pro1587Arg)

Gene: COL4A4 (collagen type IV alpha 4 chain; minus strand). Cytogenetic location: 2q36.3.
Variant type: single nucleotide variant.
Coding change: c.4760C>G on transcript NM_000092.5 (MANE Select); coding-DNA position 4760, C replaced by G.
Protein change: p.Pro1587Arg; replaces proline 1587 with arginine.
Molecular consequence: missense variant.
Genome position (GRCh38, 1-based): chr2:227,008,067, G>C on the plus strand (C>G on the coding strand, the complement: COL4A4 is on the minus strand). VCF-style: chr2-227008067-G-C. GRCh37 (hg19) VCF-style: chr2-227872783-G-C.
Other names: short protein forms P1587R.
Identifiers: ClinVar variation 447189 (VCV000447189.59), dbSNP rs190148408, ClinGen allele CA2144075.